The following is an entry in ClinVar:

ClinVar aggregate classification (germline): Uncertain significance. Review status: criteria provided, multiple submitters, no conflicts (2 of 4 stars). 2 submissions from 2 submitters: Uncertain significance (2). Last evaluated 2025-11-19.

Conditions:
Hereditary cancer-predisposing syndrome. Also called: Tumor predisposition; Neoplastic Syndromes, Hereditary; Hereditary neoplastic syndrome; Hereditary Cancer Syndrome. Identifiers: Orphanet 140162, MedGen C0027672, MeSH D009386, MONDO:0015356.
Birt-Hogg-Dube syndrome. Also called: Birt Hogg Dubé syndrome. Identifiers: Orphanet 122, MedGen C0346010, MONDO:0800444.

gnomAD v4.1: 2 of 1,614,244 alleles (0.00012%); highest among the groups gnomAD compares: Non-Finnish European, 0.00017%; no homozygotes.

Submissions (2):

Ambry Genetics
Classification: Uncertain significance for Hereditary cancer-predisposing syndrome. Last evaluated: 2025-11-19. Review status: criteria provided, single submitter. Criteria: Ambry Variant Classification Scheme 2023. Collection method: clinical testing. Allele origin: germline.
Comment: The p.A252T variant (also known as c.754G>A), located in coding exon 4 of the FLCN gene, results from a G to A substitution at nucleotide position 754. The alanine at codon 252 is replaced by threonine, an amino acid with similar properties. This amino acid position is conserved. In addition, the in silico prediction for this alteration is inconclusive. Based on the available evidence, the clinical significance of this variant remains unclear.

Labcorp Genetics (formerly Invitae), Labcorp
Classification: Uncertain significance for Birt-Hogg-Dube syndrome. Last evaluated: 2022-01-26. Review status: criteria provided, single submitter. Criteria: Invitae Variant Classification Sherloc (09022015). Collection method: clinical testing. Allele origin: germline.
Comment: In summary, the available evidence is currently insufficient to determine the role of this variant in disease. Therefore, it has been classified as a Variant of Uncertain Significance. This sequence change replaces alanine, which is neutral and non-polar, with threonine, which is neutral and polar, at codon 252 of the FLCN protein (p.Ala252Thr). This variant is not present in population databases (gnomAD no frequency). This variant has not been reported in the literature in individuals affected with FLCN-related conditions. Algorithms developed to predict the effect of missense changes on protein structure and function (SIFT, PolyPhen-2, Align-GVGD) all suggest that this variant is likely to be tolerated.

NM_144997.7(FLCN):c.754G>A (p.Ala252Thr)

Gene: FLCN (folliculin; minus strand). Cytogenetic location: 17p11.2.
Variant type: single nucleotide variant.
Coding change: c.754G>A on transcript NM_144997.7 (MANE Select); coding-DNA position 754, G replaced by A.
Protein change: p.Ala252Thr; replaces alanine 252 with threonine.
Molecular consequence: missense variant.
Genome position (GRCh38, 1-based): chr17:17,222,526, C>T on the plus strand (G>A on the coding strand, the complement: FLCN is on the minus strand). VCF-style: chr17-17222526-C-T. GRCh37 (hg19) VCF-style: chr17-17125840-C-T.
Other names: c.808G>A, p.Ala270Thr (NM_001353229.2); c.754G>A, p.Ala252Thr (NM_001353230.2, NM_001353231.2, NM_144606.7); short protein forms A252T, A270T.
Identifiers: ClinVar variation 2089741 (VCV002089741.5), dbSNP rs2544232260, ClinGen allele CA398533867.